The following is an entry in ClinVar:

ClinVar aggregate classification (germline): Uncertain significance (1 of 4 stars; one submission).

Submission:

Labcorp Genetics (formerly Invitae), Labcorp
Classification: Uncertain significance. Last evaluated: 2025-06-09. Review status: criteria provided, single submitter. Criteria: Invitae Variant Classification Sherloc (09022015). Collection method: clinical testing. Allele origin: germline.
Comment: This sequence change replaces arginine, which is basic and polar, with proline, which is neutral and non-polar, at codon 1480 of the ALPK3 protein (p.Arg1480Pro). This variant is not present in population databases (gnomAD no frequency). This variant has not been reported in the literature in individuals affected with ALPK3-related conditions. ClinVar contains an entry for this variant (Variation ID: 3006704). Invitae Evidence Modeling of protein sequence and biophysical properties (such as structural, functional, and spatial information, amino acid conservation, physicochemical variation, residue mobility, and thermodynamic stability) indicates that this missense variant is expected to disrupt ALPK3 protein function with a positive predictive value of 80%. In summary, the available evidence is currently insufficient to determine the role of this variant in disease. Therefore, it has been classified as a Variant of Uncertain Significance.

NM_020778.5(ALPK3):c.3833G>C (p.Arg1278Pro)

Gene: ALPK3 (alpha kinase 3; plus strand). Cytogenetic location: 15q25.3.
Variant type: single nucleotide variant.
Coding change: c.3833G>C on transcript NM_020778.5 (MANE Select); coding-DNA position 3833, G replaced by C.
Protein change: p.Arg1278Pro; replaces arginine 1278 with proline.
Molecular consequence: missense variant.
Genome position (GRCh38, 1-based): chr15:84,859,258, G>C. VCF-style: chr15-84859258-G-C. GRCh37 (hg19) VCF-style: chr15-85402489-G-C.
Other names: short protein forms R1278P.
Identifiers: ClinVar variation 3006704 (VCV003006704.3), dbSNP rs747114834, ClinGen allele CA393361186.
Genomic context (GRCh38, chr15:84,859,258, plus strand): 5'-CAGAGGAGAGGTGGTGTTCCCCTCTTGACTGGGCCCTGCTCTCAGCCCCACAGGTGATCC[G>C]GAAGATTCGGGTGGAGCAGTTTCCTGATGCCTCCGGTAGCCTGAAGCTGTGGTGCCAGTT-3'
Protein context (NP_065829.4, residues 1268-1288): KDLLKAPQVI[Arg1278Pro]KIRVEQFPDA